The following is an entry in ClinVar:

ClinVar aggregate classification (germline): Uncertain significance (1 of 4 stars; one submission).

Conditions:
MEGF10-related myopathy (CMYO10A). Also called: Congenital myopathy 10A, severe variant. Identifiers: Orphanet 439212, MedGen C3280679, MONDO:0013731, OMIM 614399.

Submission:

Labcorp Genetics (formerly Invitae), Labcorp
Classification: Uncertain significance for MEGF10-related myopathy. Last evaluated: 2022-02-05. Review status: criteria provided, single submitter. Criteria: Invitae Variant Classification Sherloc (09022015). Collection method: clinical testing. Allele origin: germline.
Comment: In summary, the available evidence is currently insufficient to determine the role of this variant in disease. Therefore, it has been classified as a Variant of Uncertain Significance. Algorithms developed to predict the effect of missense changes on protein structure and function (SIFT, PolyPhen-2, Align-GVGD) all suggest that this variant is likely to be disruptive. This variant has not been reported in the literature in individuals affected with MEGF10-related conditions. This variant is not present in population databases (gnomAD no frequency). This sequence change replaces cysteine, which is neutral and slightly polar, with serine, which is neutral and polar, at codon 514 of the MEGF10 protein (p.Cys514Ser).

NM_001256545.2(MEGF10):c.1540T>A (p.Cys514Ser)

Gene: MEGF10 (multiple EGF like domains 10; plus strand). Cytogenetic location: 5q23.2.
Variant type: single nucleotide variant.
Coding change: c.1540T>A on transcript NM_001256545.2 (MANE Select); coding-DNA position 1540, T replaced by A.
Protein change: p.Cys514Ser; replaces cysteine 514 with serine.
Molecular consequence: missense variant.
Genome position (GRCh38, 1-based): chr5:127,420,157, T>A. VCF-style: chr5-127420157-T-A. GRCh37 (hg19) VCF-style: chr5-126755849-T-A.
Other names: c.1540T>A, p.Cys514Ser (NM_001308119.2, NM_001308121.2, NM_032446.3); short protein forms C514S.
Identifiers: ClinVar variation 1372362 (VCV001372362.6), dbSNP rs2126973506, ClinGen allele CA360730098.
Genomic context (GRCh38, chr5:127,420,157, plus strand): 5'-GGCTGTAACTTAACATGCCAGTGCCTCAACGGGGGAGCCTGCAACACCCTGGACGGGACC[T>A]GCACGTGTGCACCTGGATGGCGCGGGGAGAAATGCGAACTTCCCTGCCAGGTATGCACAA-3'
Protein context (NP_001243474.1, residues 504-524): GGACNTLDGT[Cys514Ser]TCAPGWRGEK